The following is an entry in ClinVar:

ClinVar aggregate classification (germline): Uncertain significance (1 of 4 stars; one submission).

Conditions:
Noonan syndrome 9 (NS9). Identifiers: Orphanet 648, MedGen C4225282, MONDO:0014691, OMIM 616559.

Submission:

Labcorp Genetics (formerly Invitae), Labcorp
Classification: Uncertain significance for Noonan syndrome 9. Last evaluated: 2022-03-17. Review status: criteria provided, single submitter. Criteria: Invitae Variant Classification Sherloc (09022015). Collection method: clinical testing. Allele origin: germline.
Comment: This sequence change replaces serine, which is neutral and polar, with arginine, which is basic and polar, at codon 851 of the SOS2 protein (p.Ser851Arg). This variant is not present in population databases (gnomAD no frequency). This variant has not been reported in the literature in individuals affected with SOS2-related conditions. Advanced modeling of protein sequence and biophysical properties (such as structural, functional, and spatial information, amino acid conservation, physicochemical variation, residue mobility, and thermodynamic stability) performed at Invitae indicates that this missense variant is not expected to disrupt SOS2 protein function. In summary, the available evidence is currently insufficient to determine the role of this variant in disease. Therefore, it has been classified as a Variant of Uncertain Significance.

NM_006939.4(SOS2):c.2551A>C (p.Ser851Arg)

Gene: SOS2 (SOS Ras/Rho guanine nucleotide exchange factor 2; minus strand). Cytogenetic location: 14q21.3.
Variant type: single nucleotide variant.
Coding change: c.2551A>C on transcript NM_006939.4 (MANE Select); coding-DNA position 2551, A replaced by C.
Protein change: p.Ser851Arg; replaces serine 851 with arginine.
Molecular consequence: missense variant.
Genome position (GRCh38, 1-based): chr14:50,145,286, T>G on the plus strand (A>C on the coding strand, the complement: SOS2 is on the minus strand). VCF-style: chr14-50145286-T-G. GRCh37 (hg19) VCF-style: chr14-50612004-T-G.
Other names: c.2452A>C, p.Ser818Arg (NM_001411020.1); short protein forms S818R, S851R.
Identifiers: ClinVar variation 2113254 (VCV002113254.4), dbSNP rs2502915216, ClinGen allele CA389643138.